The following is an entry in ClinVar:

NM_020877.5(DNAH2):c.947C>T (p.Ala316Val)

Gene: DNAH2 (dynein axonemal heavy chain 2; plus strand). Cytogenetic location: 17p13.1.
Variant type: single nucleotide variant.
Coding change: c.947C>T on transcript NM_020877.5 (MANE Select); coding-DNA position 947, C replaced by T.
Protein change: p.Ala316Val; replaces alanine 316 with valine.
Molecular consequence: missense variant.
Genome position (GRCh38, 1-based): chr17:7,734,677, C>T. VCF-style: chr17-7734677-C-T. GRCh37 (hg19) VCF-style: chr17-7637995-C-T.
Other names: c.947C>T, p.Ala316Val (NM_001303270.2); short protein forms A316V.
Identifiers: ClinVar variation 3033250 (VCV003033250.2), dbSNP rs140392785, ClinGen allele CA8355986.
Genomic context (GRCh38, chr17:7,734,677, plus strand): 5'-TGAAGAAGGGAGTGAAGCACGTTGAATCCATCCTGCACCTTGCCAAGTCGTCCTACTTGG[C>T]GCCCTTTATGAAACTGGCACAGCAGATCCAGGTTTGTGAGCGAATCAAAGGATTCAGGCT-3'
Protein context (NP_065928.2, residues 306-326): ILHLAKSSYL[Ala316Val]PFMKLAQQIQ

ClinVar aggregate classification (germline): Likely benign (0 of 4 stars; one submission).

Conditions:
DNAH2-related disorder. Also called: DNAH2-related condition.

Allele frequency attached by ClinVar (database versions not stated): gnomAD exomes 0.00019; ExAC 0.00056; ESP Exome Variant Server 0.00169; 1000 Genomes Project 0.00180; gnomAD 0.00193; 1000 Genomes Project 30x 0.00203; TOPMed 0.00215.
gnomAD v4.1: 567 of 1,612,616 alleles (0.035%); highest among the groups gnomAD compares: African/African-American, 0.68%; 3 homozygotes.

Submission:

PreventionGenetics, part of Exact Sciences
Classification: Likely benign for DNAH2-related condition. Last evaluated: 2019-09-17. Review status: no assertion criteria provided. Collection method: clinical testing. Allele origin: germline.
Comment: This variant is classified as likely benign based on ACMG/AMP sequence variant interpretation guidelines (Richards et al. 2015 PMID: 25741868, with internal and published modifications).